The following is an entry in ClinVar:

ClinVar aggregate classification (germline): Uncertain significance (1 of 4 stars; one submission).

Conditions:
Myopathy, centronuclear, 5 (CNM5). Identifiers: Orphanet 169186, MedGen C4014814, MONDO:0014418, OMIM 615959.

Allele frequency attached by ClinVar (database versions not stated): gnomAD 0.00002; gnomAD exomes 0.00002 and 0.00004; ExAC 0.00003; TOPMed 0.00003.
gnomAD v4.1: 40 of 1,613,514 alleles (0.0025%); highest among the groups gnomAD compares: South Asian, 0.0044%; no homozygotes.

Submission:

Labcorp Genetics (formerly Invitae), Labcorp
Classification: Uncertain significance. Last evaluated: 2022-06-20. Review status: criteria provided, single submitter. Criteria: Invitae Variant Classification Sherloc (09022015). Collection method: clinical testing. Allele origin: germline.
Comment: This sequence change replaces glutamic acid, which is acidic and polar, with lysine, which is basic and polar, at codon 1537 of the SPEG protein (p.Glu1537Lys). This variant is present in population databases (rs746466244, gnomAD 0.05%). This variant has not been reported in the literature in individuals affected with SPEG-related conditions. Algorithms developed to predict the effect of missense changes on protein structure and function are either unavailable or do not agree on the potential impact of this missense change (SIFT: "Deleterious"; PolyPhen-2: "Probably Damaging"; Align-GVGD: "Class C0"). In summary, the available evidence is currently insufficient to determine the role of this variant in disease. Therefore, it has been classified as a Variant of Uncertain Significance.

NM_005876.5(SPEG):c.4609G>A (p.Glu1537Lys)

Gene: SPEG (striated muscle enriched protein kinase; plus strand). Cytogenetic location: 2q35.
Variant type: single nucleotide variant.
Coding change: c.4609G>A on transcript NM_005876.5 (MANE Select); coding-DNA position 4609, G replaced by A.
Protein change: p.Glu1537Lys; replaces glutamic acid 1537 with lysine.
Molecular consequence: missense variant.
Genome position (GRCh38, 1-based): chr2:219,477,325, G>A. VCF-style: chr2-219477325-G-A. GRCh37 (hg19) VCF-style: chr2-220342047-G-A.
Other names: c.4609G>A (NM_005876.4); short protein forms E1537K.
Identifiers: ClinVar variation 1512297 (VCV001512297.6), dbSNP rs746466244, ClinGen allele CA2126573.
Genomic context (GRCh38, chr2:219,477,325, plus strand): 5'-CCCACTCTGCAGGACGAGGTGCTGCTGACCGAGAGCAGCCATGTGAGCTTCGTGTACGAG[G>A]AGAATGAGTGCTCCCTGGTGGTGCTCAGCACGGGGGCCCAGGATGGAGGCGTCTACACCT-3'
Protein context (NP_005867.3, residues 1527-1547): ESSHVSFVYE[Glu1537Lys]NECSLVVLST